The following is an entry in ClinVar:

ClinVar aggregate classification (germline): Uncertain significance (1 of 4 stars; one submission).

Conditions:
Cardiovascular phenotype. Identifiers: MedGen CN230736.

Submission:

Ambry Genetics
Classification: Uncertain significance for Cardiovascular phenotype. Last evaluated: 2026-06-09. Review status: criteria provided, single submitter. Criteria: Ambry Variant Classification Scheme 2023. Collection method: clinical testing. Allele origin: germline.
Comment: The p.R1772S variant (also known as c.5316G>T), located in coding exon 21 of the AKAP9 gene, results from a G to T substitution at nucleotide position 5316. The arginine at codon 1772 is replaced by serine, an amino acid with dissimilar properties. This amino acid position is conserved. In addition, this alteration is predicted to be tolerated by in silico analysis. Based on the available evidence, the clinical significance of this variant remains unclear.

NM_005751.5(AKAP9):c.5316G>T (p.Arg1772Ser)

Gene: AKAP9 (A-kinase anchoring protein 9; plus strand). Cytogenetic location: 7q21.2.
Variant type: single nucleotide variant.
Coding change: c.5316G>T on transcript NM_005751.5 (MANE Select); coding-DNA position 5316, G replaced by T.
Protein change: p.Arg1772Ser; replaces arginine 1772 with serine.
Molecular consequence: missense variant.
Genome position (GRCh38, 1-based): chr7:92,045,161, G>T. VCF-style: chr7-92045161-G-T. GRCh37 (hg19) VCF-style: chr7-91674475-G-T.
Other names: c.5316G>T, p.Arg1772Ser (NM_147185.3); short protein forms R1772S.
Identifiers: ClinVar variation 4869165 (VCV004869165.1).